The following is an entry in ClinVar:

ClinVar aggregate classification (germline): Uncertain significance (1 of 4 stars; one submission).

Conditions:
Split hand-foot malformation 1 with sensorineural hearing loss. Also called: SPLIT-HAND/FOOT MALFORMATION 1 WITH SENSORINEURAL HEARING LOSS, AUTOSOMAL RECESSIVE; DEAFNESS, CONGENITAL, WITH SPLIT HANDS AND FEET. Identifiers: Orphanet 71271, MedGen C1857344, MONDO:0009080, OMIM 220600.
Split hand-foot malformation 1. Also called: SPLIT-HAND DEFORMITY; SPLIT-HAND/FOOT DEFORMITY 1; Split-hand/foot malformation 1; Split hand foot deformity 1; Split hand malformation1; Split hand deformity 1. Identifiers: Orphanet 2440, MedGen C2931019, MONDO:0008464, OMIM 183600.

Submission:

Juno Genomics, Hangzhou Juno Genomics, Inc
Classification: Uncertain significance for Split hand-foot malformation 1 with sensorineural hearing loss; Split hand-foot malformation 1. Review status: criteria provided, single submitter. Criteria: ACMG Guidelines, 2015. Collection method: clinical testing. Allele origin: germline. Affected: yes.
Comment: Absent from controls (or at extremely low frequency if recessive) in Genome Aggregation Database, Exome Sequencing Project, 1000 Genomes Project, or Exome Aggregation Consortium.;De novo (both maternity and paternity confirmed) in a patient with the disease and no family history.;Multiple lines of computational evidence support a deleterious effect on the gene or gene product (conservation, evolutionary, splicing impact, etc).

NM_005221.6(DLX5):c.569C>T (p.Ser190Phe)

Genes: DLX5 (distal-less homeobox 5; minus strand), LOC126860116 (CDK7 strongly-dependent group 2 enhancer GRCh37_chr7:96650255-96651454; plus strand). Cytogenetic location: 7q21.3.
Variant type: single nucleotide variant.
Coding change: c.569C>T on transcript NM_005221.6 (MANE Select); coding-DNA position 569, C replaced by T.
Protein change: p.Ser190Phe; replaces serine 190 with phenylalanine.
Molecular consequence: missense variant.
Genome position (GRCh38, 1-based): chr7:97,021,037, G>A on the plus strand (C>T on the coding strand, the complement: DLX5 is on the minus strand). VCF-style: chr7-97021037-G-A. GRCh37 (hg19) VCF-style: chr7-96650349-G-A.
Other names: short protein forms S190F.
Identifiers: ClinVar variation 3382755 (VCV003382755.2).